The following is an entry in ClinVar:

ClinVar aggregate classification (germline): Uncertain significance (1 of 4 stars; one submission).

Allele frequency attached by ClinVar (database versions not stated): gnomAD exomes below 0.00001 and 0.00001; TOPMed 0.00001.
gnomAD v4.1: 3 of 1,613,676 alleles (0.00019%); highest among the groups gnomAD compares: Admixed American, 0.0017%; no homozygotes.

Submission:

Labcorp Genetics (formerly Invitae), Labcorp
Classification: Uncertain significance. Last evaluated: 2022-12-29. Review status: criteria provided, single submitter. Criteria: Invitae Variant Classification Sherloc (09022015). Collection method: clinical testing. Allele origin: germline.
Comment: In summary, the available evidence is currently insufficient to determine the role of this variant in disease. Therefore, it has been classified as a Variant of Uncertain Significance. Advanced modeling of protein sequence and biophysical properties (such as structural, functional, and spatial information, amino acid conservation, physicochemical variation, residue mobility, and thermodynamic stability) performed at Invitae indicates that this missense variant is not expected to disrupt NBAS protein function. ClinVar contains an entry for this variant (Variation ID: 1465904). This variant has not been reported in the literature in individuals affected with NBAS-related conditions. This variant is present in population databases (no rsID available, gnomAD 0.003%). This sequence change replaces glycine, which is neutral and non-polar, with arginine, which is basic and polar, at codon 1520 of the NBAS protein (p.Gly1520Arg).

NM_015909.4(NBAS):c.4558G>A (p.Gly1520Arg)

Gene: NBAS (NBAS subunit of NRZ tethering complex; minus strand). Cytogenetic location: 2p24.3.
Variant type: single nucleotide variant.
Coding change: c.4558G>A on transcript NM_015909.4 (MANE Select); coding-DNA position 4558, G replaced by A.
Protein change: p.Gly1520Arg; replaces glycine 1520 with arginine.
Molecular consequence: missense variant. On other transcripts: non-coding transcript variant (1).
Genome position (GRCh38, 1-based): chr2:15,327,774, C>T on the plus strand (G>A on the coding strand, the complement: NBAS is on the minus strand). VCF-style: chr2-15327774-C-T. GRCh37 (hg19) VCF-style: chr2-15467898-C-T.
Other names: short protein forms G1520R.
Identifiers: ClinVar variation 1465904 (VCV001465904.4), dbSNP rs1329613885, ClinGen allele CA345895446.